The following is an entry in ClinVar:

ClinVar aggregate classification (germline): Likely benign. Review status: criteria provided, single submitter (1 of 4 stars). 2 submissions from 2 submitters: Likely benign (1). 1 of the submissions does not count toward it. Last evaluated 2025-06-20.

Conditions:
PLXNA2-related disorder. Also called: PLXNA2-related condition.

gnomAD v4.1: 6 of 1,614,094 alleles (0.00037%); highest among the groups gnomAD compares: Admixed American, 0.0033%; no homozygotes.

Submissions (2):

Labcorp Genetics (formerly Invitae), Labcorp
Classification: Likely benign. Last evaluated: 2025-06-20. Review status: criteria provided, single submitter. Criteria: Invitae Variant Classification Sherloc (09022015). Collection method: clinical testing. Allele origin: germline.

PreventionGenetics, part of Exact Sciences
Classification: Likely benign for PLXNA2-related condition. Last evaluated: 2022-10-07. Review status: no assertion criteria provided. Collection method: clinical testing. Allele origin: germline. Not counted in ClinVar's aggregate classification.
Comment: This variant is classified as likely benign based on ACMG/AMP sequence variant interpretation guidelines (Richards et al. 2015 PMID: 25741868, with internal and published modifications).

NM_025179.4(PLXNA2):c.2619G>C (p.Gly873=)

Gene: PLXNA2 (plexin A2; minus strand). Cytogenetic location: 1q32.2.
Variant type: single nucleotide variant.
Coding change: c.2619G>C on transcript NM_025179.4 (MANE Select); coding-DNA position 2619, G replaced by C.
Protein change: p.Gly873=; no amino-acid change (glycine 873 retained).
Molecular consequence: synonymous variant.
Genome position (GRCh38, 1-based): chr1:208,060,805, C>G on the plus strand (G>C on the coding strand, the complement: PLXNA2 is on the minus strand). VCF-style: chr1-208060805-C-G. GRCh37 (hg19) VCF-style: chr1-208234150-C-G.
Identifiers: ClinVar variation 3353592 (VCV003353592.2).